The following is an entry in ClinVar:

NM_015295.3(SMCHD1):c.4924A>T (p.Ser1642Cys)

Gene: SMCHD1 (structural maintenance of chromosomes flexible hinge domain containing 1; plus strand). Cytogenetic location: 18p11.32.
Variant type: single nucleotide variant.
Coding change: c.4924A>T on transcript NM_015295.3 (MANE Select); coding-DNA position 4924, A replaced by T.
Protein change: p.Ser1642Cys; replaces serine 1642 with cysteine.
Molecular consequence: missense variant.
Genome position (GRCh38, 1-based): chr18:2,770,066, A>T. VCF-style: chr18-2770066-A-T. GRCh37 (hg19) VCF-style: chr18-2770064-A-T.
Other names: short protein forms S1642C.
Identifiers: ClinVar variation 1500758 (VCV001500758.6), dbSNP rs765796991, ClinGen allele CA8871606.

ClinVar aggregate classification (germline): Uncertain significance (1 of 4 stars; one submission).

Conditions:
Facioscapulohumeral muscular dystrophy 2 (FSHD2). Also called: MUSCULAR DYSTROPHY, FACIOSCAPULOHUMERAL, TYPE 1B; FACIOSCAPULOHUMERAL MUSCULAR DYSTROPHY 2, DIGENIC; FSHD2, DIGENIC. Identifiers: Orphanet 269, MedGen C1834671, MONDO:0008031, OMIM 158901.

Allele frequency attached by ClinVar (database versions not stated): gnomAD exomes below 0.00001; ExAC 0.00001; TOPMed 0.00002.

Submission:

Labcorp Genetics (formerly Invitae), Labcorp
Classification: Uncertain significance for Facioscapulohumeral muscular dystrophy 2. Last evaluated: 2022-08-09. Review status: criteria provided, single submitter. Criteria: Invitae Variant Classification Sherloc (09022015). Collection method: clinical testing. Allele origin: germline.
Comment: This variant has not been reported in the literature in individuals affected with SMCHD1-related conditions. ClinVar contains an entry for this variant (Variation ID: 1500758). Algorithms developed to predict the effect of missense changes on protein structure and function (SIFT, PolyPhen-2, Align-GVGD) all suggest that this variant is likely to be tolerated. In summary, the available evidence is currently insufficient to determine the role of this variant in disease. Therefore, it has been classified as a Variant of Uncertain Significance. This sequence change replaces serine, which is neutral and polar, with cysteine, which is neutral and slightly polar, at codon 1642 of the SMCHD1 protein (p.Ser1642Cys). This variant is present in population databases (rs765796991, gnomAD 0.004%).